The following is an entry in ClinVar:

ClinVar aggregate classification (germline): Likely benign. Review status: reviewed by expert panel (3 of 4 stars). 2 submissions from 2 submitters: Likely benign (1). 1 of the submissions does not count toward it. Last evaluated 2025-09-07.

Conditions:
RPGR-related retinopathy. Also called: RPGR retinopathy. Identifiers: MedGen CN305589, MONDO:0100437.

Allele frequency attached by ClinVar (database versions not stated): gnomAD exomes 0.00001.

Submissions (2):

ClinGen X-linked Inherited Retinal Disease Variant Curation Expert Panel, ClinGen
Classification: Likely benign for RPGR-related retinopathy. Last evaluated: 2025-09-07. Review status: reviewed by expert panel. Criteria: ClinGen X LinkedIRD ACMG Specifications RPGR V1.0.0. Collection method: curation. Allele origin: germline. Inheritance: X-linked inheritance.
Comment: NM_001034853.2(RPGR):c.649C>T (p.Pro217Ser) is a missense variant replacing proline with serine at position 217. This variant is present in gnomAD v4.1.0 at a frequency of 0.000002511 among hemizygous individuals, with 1 variant allele / 398,177 total alleles, which is higher than the ClinGen X-linked IRD VCEP PM2_Supporting threshold of <0.0000005 but lower than the BS1 threshold of >0.000005 and fails to meet either criterion. The computational predictor REVEL gives a score of 0.193, which is below the ClinGen X-linked IRD VCEP threshold of <0.290 and predicts a non-damaging effect on RPGR function. Additionally, the splicing impact predictor SpliceAI gives a delta score of 0.00, which is below the ClinGen X-linked IRD VCEP recommended threshold of <0.1 and does not strongly predict an impact on splicing (BP4). In summary, this variant is classified as likely benigin for RPGR-related retinopathy based on the ClinGen X-linked Inherited Retinal Disease Expert Panel Specifications to the ACMG/AMP Variant Interpretation Guidelines for RPGR Version 1.0.0; BP4.

CeGaT Center for Human Genetics Tuebingen
Classification: Likely benign. Last evaluated: 2022-05-01. Review status: criteria provided, single submitter. Criteria: CeGaT Center For Human Genetics Tuebingen Variant Classification Criteria Version 2. Collection method: clinical testing. Allele origin: germline. Affected: yes. Observed: 2 variant alleles. Not counted in ClinVar's aggregate classification.
Comment: RPGR: BS2

NM_001034853.2(RPGR):c.649C>T (p.Pro217Ser)

Gene: RPGR (retinitis pigmentosa GTPase regulator; minus strand). Cytogenetic location: Xp11.4.
Variant type: single nucleotide variant.
Coding change: c.649C>T on transcript NM_001034853.2 (MANE Select); coding-DNA position 649, C replaced by T.
Protein change: p.Pro217Ser; replaces proline 217 with serine.
Molecular consequence: missense variant. On other transcripts: non-coding transcript variant (6).
Genome position (GRCh38, 1-based): chrX:38,310,744, G>A on the plus strand (C>T on the coding strand, the complement: RPGR is on the minus strand). VCF-style: chrX-38310744-G-A. GRCh37 (hg19) VCF-style: chrX-38169997-G-A.
Other names: NM_001034853.2(RPGR):c.649C>T; p.Pro217Ser; c.649C>T, p.Pro217Ser (NM_000328.3, NM_001367246.1, NM_001367247.1 and 1 more transcripts); c.646C>T, p.Pro216Ser (NM_001367245.1, NM_001367249.1, NM_001367250.1); c.679C>T, p.Pro227Ser (NM_001367248.1); short protein forms P216S, P217S, P227S.
Identifiers: ClinVar variation 1676153 (VCV001676153.34), dbSNP rs1411541161, ClinGen allele CA412743002.